The following is an entry in ClinVar:

ClinVar aggregate classification (germline): Uncertain significance (1 of 4 stars; one submission).

Conditions:
Brugada syndrome 5 (BRGDA5). Identifiers: Orphanet 130, Orphanet 871, MedGen C2748541, MONDO:0013015, OMIM 612838.

Submission:

Labcorp Genetics (formerly Invitae), Labcorp
Classification: Uncertain significance for Brugada syndrome 5. Last evaluated: 2022-11-24. Review status: criteria provided, single submitter. Criteria: Invitae Variant Classification Sherloc (09022015). Collection method: clinical testing. Allele origin: germline.
Comment: This sequence change replaces lysine, which is basic and polar, with glutamine, which is neutral and polar, at codon 37 of the SCN1B protein (p.Lys37Gln). This variant is not present in population databases (gnomAD no frequency). This variant has not been reported in the literature in individuals affected with SCN1B-related conditions. Algorithms developed to predict the effect of missense changes on protein structure and function are either unavailable or do not agree on the potential impact of this missense change (SIFT: "Deleterious"; PolyPhen-2: "Possibly Damaging"; Align-GVGD: "Class C0"). In summary, the available evidence is currently insufficient to determine the role of this variant in disease. Therefore, it has been classified as a Variant of Uncertain Significance.

NM_001037.5(SCN1B):c.109A>C (p.Lys37Gln)

Gene: SCN1B (sodium voltage-gated channel beta subunit 1; plus strand). Cytogenetic location: 19q13.11.
Variant type: single nucleotide variant.
Coding change: c.109A>C on transcript NM_001037.5 (MANE Select); coding-DNA position 109, A replaced by C.
Protein change: p.Lys37Gln; replaces lysine 37 with glutamine.
Molecular consequence: missense variant.
Genome position (GRCh38, 1-based): chr19:35,032,596, A>C. VCF-style: chr19-35032596-A-C. GRCh37 (hg19) VCF-style: chr19-35523500-A-C.
Other names: c.10A>C, p.Lys4Gln (NM_001321605.2); c.109A>C, p.Lys37Gln (NM_199037.5); short protein forms K37Q, K4Q.
Identifiers: ClinVar variation 2816307 (VCV002816307.3), dbSNP rs1555720587, ClinGen allele CA405328017.